The following is an entry in ClinVar:

NM_000540.3(RYR1):c.4231C>A (p.Pro1411Thr)

Gene: RYR1 (ryanodine receptor 1; plus strand). Cytogenetic location: 19q13.2.
Variant type: single nucleotide variant.
Coding change: c.4231C>A on transcript NM_000540.3 (MANE Select); coding-DNA position 4231, C replaced by A.
Protein change: p.Pro1411Thr; replaces proline 1411 with threonine.
Molecular consequence: missense variant.
Genome position (GRCh38, 1-based): chr19:38,475,388, C>A. VCF-style: chr19-38475388-C-A. GRCh37 (hg19) VCF-style: chr19-38966028-C-A.
Other names: c.4231C>A, p.Pro1411Thr (NM_001042723.2); short protein forms P1411T.
Identifiers: ClinVar variation 1392685 (VCV001392685.5), dbSNP rs1228139814, ClinGen allele CA405644447.

ClinVar aggregate classification (germline): Uncertain significance. Review status: criteria provided, multiple submitters, no conflicts (2 of 4 stars). 2 submissions from 2 submitters: Uncertain significance (2). Last evaluated 2025-11-01.

Conditions:
RYR1-related disorder. Also called: RYR1-related disorders; RYR1-related condition. Identifiers: MedGen CN239331.
Malignant hyperthermia, susceptibility to, 1 (MHS1). Also called: RYR1-Related Malignant Hyperthermia Susceptibility; Malignant hyperthermia suceptibility 1; Anesthesia related hyperthermia; Malignant hyperpyrexia; Fulminating hyperpyrexia; Pharmacogenic myopathy. Identifiers: Orphanet 423, MedGen C2930980, MONDO:0007783, OMIM 145600.

Submissions (2):

Labcorp Genetics (formerly Invitae), Labcorp
Classification: Uncertain significance for RYR1-related disorder. Last evaluated: 2025-11-01. Review status: criteria provided, single submitter. Criteria: Invitae Variant Classification Sherloc (09022015). Collection method: clinical testing. Allele origin: germline.
Comment: This sequence change replaces proline, which is neutral and non-polar, with threonine, which is neutral and polar, at codon 1411 of the RYR1 protein (p.Pro1411Thr). This variant is not present in population databases (gnomAD no frequency). This variant has not been reported in the literature in individuals affected with RYR1-related conditions. ClinVar contains an entry for this variant (Variation ID: 1392685). Invitae Evidence Modeling of protein sequence and biophysical properties (such as structural, functional, and spatial information, amino acid conservation, physicochemical variation, residue mobility, and thermodynamic stability) indicates that this missense variant is not expected to disrupt RYR1 protein function with a negative predictive value of 95%. In summary, the available evidence is currently insufficient to determine the role of this variant in disease. Therefore, it has been classified as a Variant of Uncertain Significance.

All of Us Research Program, National Institutes of Health
Classification: Uncertain significance for Malignant hyperthermia, susceptibility to, 1. Last evaluated: 2023-08-15. Review status: criteria provided, single submitter. Criteria: ACMG Guidelines, 2015. Collection method: clinical testing. Allele origin: germline. Inheritance: Autosomal dominant inheritance. Observed: 1 variant allele, 1 heterozygote.
Comment: This missense variant replaces proline with threonine at codon 1411 of the RYR1 protein. Computational prediction suggests that this variant may not impact protein structure and function (internally defined REVEL score threshold <= 0.5, PMID: 27666373). To our knowledge, functional studies have not been reported for this variant. This variant has not been reported in individuals affected with RYR1-related disorders in the literature. This variant has not been identified in the general population by the Genome Aggregation Database (gnomAD). The available evidence is insufficient to determine the role of this variant in disease conclusively. Therefore, this variant is classified as a Variant of Uncertain Significance.

This study involves interpretation of variants in research participants for the purpose of population health screening. Participant phenotype was not available at the time of variant classification. Additional details can be found in publication PMID: 35346344, PMCID: PMC8962531